The following is an entry in ClinVar:

ClinVar aggregate classification (germline): Pathogenic (3 of 4 stars; one submission).

Conditions:
Breast-ovarian cancer, familial, susceptibility to, 1 (BROVCA1). Also called: BRCA1 Hereditary Breast and Ovarian Cancer; OVARIAN CANCER, SUSCEPTIBILITY TO. Identifiers: Orphanet 145, MedGen C2676676, MONDO:0011450, OMIM 604370. Disease mechanism: loss of function.

Submission:

Evidence-based Network for the Interpretation of Germline Mutant Alleles (ENIGMA)
Classification: Pathogenic for Breast-ovarian cancer, familial, susceptibility to, 1. Last evaluated: 2017-12-15. Review status: reviewed by expert panel. Criteria: ENIGMA BRCA1/2 Classification Criteria (2017-06-29). Collection method: curation. Allele origin: germline. Study: ENIGMA.
Comment: Variant allele predicted to encode a truncated non-functional protein.

NM_007294.4(BRCA1):c.816_817insTCCATGTGGA (p.Pro273fs)

Gene: BRCA1 (BRCA1 DNA repair associated; minus strand). Cytogenetic location: 17q21.31.
Variant type: Insertion.
Coding change: c.816_817insTCCATGTGGA on transcript NM_007294.4 (MANE Select); coding-DNA positions 816 to 817, TCCATGTGGA inserted.
Protein change: p.Pro273fs; shifts the reading frame from proline 273.
Molecular consequence: frameshift variant. On other transcripts: 5 prime UTR variant (2), intron variant (137).
Genome position: GRCh38 VCF-style: chr17-43094714-G-GTCCACATGGA. GRCh37 (hg19) VCF-style: chr17-41246731-G-GTCCACATGGA.
Other names: c.816_817insTCCATGTGGA, p.Pro273fs (NM_001407641.1, NM_001407642.1, NM_001407652.1 and 30 more transcripts); c.813_814insTCCATGTGGA, p.Pro272fs (NM_001407644.1, NM_001407645.1, NM_001407860.1 and 22 more transcripts); c.807_808insTCCATGTGGA, p.Pro270fs (NM_001407646.1, NM_001407647.1); c.693_694insTCCATGTGGA, p.Pro232fs (NM_001407648.1, NM_001407664.1, NM_001407665.1 and 19 more transcripts); c.690_691insTCCATGTGGA, p.Pro231fs (NM_001407649.1, NM_001407670.1, NM_001407671.1 and 11 more transcripts); c.738_739insTCCATGTGGA, p.Pro247fs (NM_001407653.1, NM_001407654.1, NM_001407655.1 and 4 more transcripts); c.735_736insTCCATGTGGA, p.Pro246fs (NM_001407659.1, NM_001407660.1, NM_001407661.1 and 1 more transcripts); c.675_676insTCCATGTGGA, p.Pro226fs (NM_001407692.1, NM_001407694.1, NM_001407695.1 and 29 more transcripts); and 40 more; short protein forms P226fs, P273fs, P105fs, P145fs, P146fs, P162fs, P184fs, P202fs.
Identifiers: ClinVar variation 548169 (VCV000548169.2), dbSNP rs1555593043, ClinGen allele CA658824554.